The following is an entry in ClinVar:

ClinVar aggregate classification (germline): Benign/Likely benign. Review status: criteria provided, multiple submitters, no conflicts (2 of 4 stars). 4 submissions from 4 submitters: Benign (1); Likely benign (1). 2 of the submissions do not count toward it. Last evaluated 2021-10-08.

Conditions:
Polysubstance abuse, susceptibility to (PSAB). Also called: Drug addiction, susceptibility to. Identifiers: MedGen C1847831, MONDO:0011685, OMIM 606581.
FAAH-related disorder. Also called: FAAH-related condition.
FAAH POLYMORPHISM.

Allele frequency attached by ClinVar (database versions not stated): gnomAD exomes 0.21495 and 0.23609; ExAC 0.23331; gnomAD 0.26099 and 0.26554; 1000 Genomes Project 0.26158; 1000 Genomes Project 30x 0.26468; TOPMed 0.26705.
gnomAD v4.1: 354,113 of 1,613,776 alleles (22%); highest among the groups gnomAD compares: African/African-American, 36%; 41,065 homozygotes.

Submissions (4):

Fulgent Genetics
Classification: Likely benign for Polysubstance abuse, susceptibility to. Last evaluated: 2021-10-08. Review status: criteria provided, single submitter. Criteria: ACMG Guidelines, 2015. Collection method: clinical testing. Allele origin: unknown.

Breakthrough Genomics
Classification: Benign. Review status: criteria provided, single submitter. Criteria: ACMG Guidelines, 2015. Collection method: not provided. Allele origin: germline. Inheritance: Unknown mechanism. Affected: yes.

PreventionGenetics, part of Exact Sciences
Classification: Benign for FAAH-related condition. Last evaluated: 2019-10-18. Review status: no assertion criteria provided. Collection method: clinical testing. Allele origin: germline. Not counted in ClinVar's aggregate classification.
Comment: This variant is classified as benign based on ACMG/AMP sequence variant interpretation guidelines (Richards et al. 2015 PMID: 25741868, with internal and published modifications).

OMIM
Classification: Benign for FAAH POLYMORPHISM. Last evaluated: 2013-04-01. Review status: no assertion criteria provided. Collection method: literature only. Allele origin: germline. Not counted in ClinVar's aggregate classification.

Literature cited by the submitters: PubMed 12060782 (cited by OMIM); PubMed 15254019 (cited by OMIM); PubMed 16972078 (cited by OMIM); PubMed 23556448 (cited by OMIM).

NM_001441.3(FAAH):c.385C>A (p.Pro129Thr)

Gene: FAAH (fatty acid amide hydrolase; plus strand). Cytogenetic location: 1p33.
Variant type: single nucleotide variant.
Coding change: c.385C>A on transcript NM_001441.3 (MANE Select); coding-DNA position 385, C replaced by A.
Protein change: p.Pro129Thr; replaces proline 129 with threonine.
Molecular consequence: missense variant.
Genome position (GRCh38, 1-based): chr1:46,405,089, C>A. VCF-style: chr1-46405089-C-A. GRCh37 (hg19) VCF-style: chr1-46870761-C-A.
Other names: FAAH, PRO129THR (rs324420); c.385C>A (NM_001441.2); short protein forms P129T.
Identifiers: ClinVar variation 6724 (VCV000006724.6), dbSNP rs324420, ClinGen allele CA118446.
Genomic context (GRCh38, chr1:46,405,089, plus strand): 5'-AAAGGGACCAACTGTGTGACCTCCTATCTGGCTGACTGTGAGACTCAGCTGTCTCAGGCC[C>A]CAAGGCAGGGCCTGCTCTATGGCGTCCCTGTGAGCCTCAAGGAGTGCTTCACCTACAAGG-3'
Protein context (NP_001432.2, residues 119-139): ADCETQLSQA[Pro129Thr]RQGLLYGVPV